The following is an entry in ClinVar:

NM_000492.4(CFTR):c.-24A>G

Genes: CFTR (CF transmembrane conductance regulator; plus strand), LOC111674463 (CFTR promoter region; plus strand). Cytogenetic location: 7q31.2.
Variant type: single nucleotide variant.
Coding change: c.-24A>G on transcript NM_000492.4 (MANE Select); 24 bases upstream of the start codon, A replaced by G.
Molecular consequence: 5 prime UTR variant.
Genome position (GRCh38, 1-based): chr7:117,480,071, A>G. VCF-style: chr7-117480071-A-G. GRCh37 (hg19) VCF-style: chr7-117120125-A-G.
Identifiers: ClinVar variation 4987372 (VCV004987372.1).

ClinVar aggregate classification (germline): Likely benign (1 of 4 stars; one submission).

Conditions:
CFTR-related disorder (CFTR-RD). Also called: CFTR-related disorders; CFTR-related condition. Identifiers: MedGen C5924204, MONDO:7770004.

gnomAD v4.1: 11 of 1,613,344 alleles (0.00068%); highest among the groups gnomAD compares: Admixed American, 0.01%; no homozygotes.

Submission:

PreventionGenetics, part of Exact Sciences
Classification: Likely benign for CFTR-related condition. Last evaluated: 2025-05-27. Review status: criteria provided, single submitter. Criteria: ACMG Guidelines, 2015. Collection method: clinical testing. Allele origin: germline.
Comment: This variant is classified as likely benign based on ACMG/AMP sequence variant interpretation guidelines (Richards et al. 2015 PMID: 25741868, with internal and published modifications).